The following is an entry in ClinVar:

NM_000441.2(SLC26A4):c.1979T>C (p.Leu660Pro)

Gene: SLC26A4 (solute carrier family 26 member 4; plus strand). Cytogenetic location: 7q22.3.
Variant type: single nucleotide variant.
Coding change: c.1979T>C on transcript NM_000441.2 (MANE Select); coding-DNA position 1979, T replaced by C.
Protein change: p.Leu660Pro; replaces leucine 660 with proline.
Molecular consequence: missense variant.
Genome position (GRCh38, 1-based): chr7:107,702,002, T>C. VCF-style: chr7-107702002-T-C. GRCh37 (hg19) VCF-style: chr7-107342447-T-C.
Other names: short protein forms L660P.
Identifiers: ClinVar variation 1326824 (VCV001326824.2), dbSNP rs2129318274, ClinGen allele CA368843760.

ClinVar aggregate classification (germline): Uncertain significance (1 of 4 stars; one submission).

Submission:

GeneDx
Classification: Uncertain significance. Last evaluated: 2021-05-27. Review status: criteria provided, single submitter. Criteria: GeneDx Variant Classification Process June 2021. Collection method: clinical testing. Allele origin: germline. Affected: yes.
Comment: Not observed at a significant frequency in large population cohorts (Lek et al., 2016); In silico analysis supports that this missense variant has a deleterious effect on protein structure/function; Has not been previously published as pathogenic or benign to our knowledge; This variant is associated with the following publications: (PMID: 27535533)